The following is an entry in ClinVar:

ClinVar aggregate classification (germline): Uncertain significance (1 of 4 stars; one submission).

Submission:

Labcorp Genetics (formerly Invitae), Labcorp
Classification: Uncertain significance. Last evaluated: 2022-07-12. Review status: criteria provided, single submitter. Criteria: Invitae Variant Classification Sherloc (09022015). Collection method: clinical testing. Allele origin: germline.
Comment: This variant has not been reported in the literature in individuals affected with SI-related conditions. Advanced modeling of protein sequence and biophysical properties (such as structural, functional, and spatial information, amino acid conservation, physicochemical variation, residue mobility, and thermodynamic stability) performed at Invitae indicates that this missense variant is expected to disrupt SI protein function. In summary, the available evidence is currently insufficient to determine the role of this variant in disease. Therefore, it has been classified as a Variant of Uncertain Significance. This sequence change replaces arginine, which is basic and polar, with serine, which is neutral and polar, at codon 315 of the SI protein (p.Arg315Ser). This variant is not present in population databases (gnomAD no frequency).

NM_001041.4(SI):c.945A>T (p.Arg315Ser)

Gene: SI (sucrase-isomaltase; minus strand). Cytogenetic location: 3q26.1.
Variant type: single nucleotide variant.
Coding change: c.945A>T on transcript NM_001041.4 (MANE Select); coding-DNA position 945, A replaced by T.
Protein change: p.Arg315Ser; replaces arginine 315 with serine.
Molecular consequence: missense variant.
Genome position (GRCh38, 1-based): chr3:165,062,446, T>A on the plus strand (A>T on the coding strand, the complement: SI is on the minus strand). VCF-style: chr3-165062446-T-A. GRCh37 (hg19) VCF-style: chr3-164780234-T-A.
Other names: short protein forms R315S.
Identifiers: ClinVar variation 2016342 (VCV002016342.4), dbSNP rs1411483593, ClinGen allele CA355031094.